The following is an entry in ClinVar:

ClinVar aggregate classification (germline): Uncertain significance (1 of 4 stars; one submission).

Conditions:
Inborn genetic diseases. Identifiers: MedGen C0950123, MeSH D030342.

gnomAD v4.1: 6 of 1,613,924 alleles (0.00037%); highest among the groups gnomAD compares: Non-Finnish European, 0.00051%; no homozygotes.

Submission:

Ambry Genetics
Classification: Uncertain significance for Inborn genetic diseases. Last evaluated: 2026-02-16. Review status: criteria provided, single submitter. Criteria: Ambry Variant Classification Scheme 2023. Collection method: clinical testing. Allele origin: germline.
Comment: The c.1409T>C (p.F470S) alteration is located in exon 9 (coding exon 9) of the GLI2 gene. This alteration results from a T to C substitution at nucleotide position 1409, causing the phenylalanine (F) at amino acid position 470 to be replaced by a serine (S). Based on data from gnomAD, the C allele has an overall frequency of <0.001% (1/251436) total alleles studied. The highest observed frequency was 0.001% (1/113724) of European (non-Finnish) alleles. Based on insufficient or conflicting evidence, the clinical significance of this alteration remains unclear.

NM_001374353.1(GLI2):c.1358T>C (p.Phe453Ser)

Gene: GLI2 (GLI family zinc finger 2; plus strand). Cytogenetic location: 2q14.2.
Variant type: single nucleotide variant.
Coding change: c.1358T>C on transcript NM_001374353.1 (MANE Select); coding-DNA position 1358, T replaced by C.
Protein change: p.Phe453Ser; replaces phenylalanine 453 with serine.
Molecular consequence: missense variant.
Genome position (GRCh38, 1-based): chr2:120,978,474, T>C. VCF-style: chr2-120978474-T-C. GRCh37 (hg19) VCF-style: chr2-121736050-T-C.
Other names: c.1409T>C, p.Phe470Ser (NM_001371271.1, NM_005270.5); c.983T>C, p.Phe328Ser (NM_001374354.1); short protein forms F328S, F453S, F470S.
Identifiers: ClinVar variation 4839914 (VCV004839914.1).